The following is an entry in ClinVar:

ClinVar aggregate classification (germline): Uncertain significance (1 of 4 stars; one submission).

Conditions:
Fanconi anemia (FA). Also called: Fanconi's anemia. Identifiers: Orphanet 84, MedGen C0015625, MeSH D005199, MONDO:0019391.

Allele frequency attached by ClinVar (database versions not stated): gnomAD exomes below 0.00001.
gnomAD v4.1: 1 of 1,614,092 alleles (0.000062%); highest among the groups gnomAD compares: African/African-American, 0.0013%; no homozygotes.

Submission:

Labcorp Genetics (formerly Invitae), Labcorp
Classification: Uncertain significance for Fanconi anemia. Last evaluated: 2022-11-23. Review status: criteria provided, single submitter. Criteria: Invitae Variant Classification Sherloc (09022015). Collection method: clinical testing. Allele origin: germline.
Comment: In summary, the available evidence is currently insufficient to determine the role of this variant in disease. Therefore, it has been classified as a Variant of Uncertain Significance. Advanced modeling of protein sequence and biophysical properties (such as structural, functional, and spatial information, amino acid conservation, physicochemical variation, residue mobility, and thermodynamic stability) performed at Invitae indicates that this missense variant is expected to disrupt FANCI protein function. This variant has not been reported in the literature in individuals affected with FANCI-related conditions. This variant is not present in population databases (gnomAD no frequency). This sequence change replaces cysteine, which is neutral and slightly polar, with tyrosine, which is neutral and polar, at codon 777 of the FANCI protein (p.Cys777Tyr).

NM_001113378.2(FANCI):c.2330G>A (p.Cys777Tyr)

Gene: FANCI (FA complementation group I; plus strand). Cytogenetic location: 15q26.1.
Variant type: single nucleotide variant.
Coding change: c.2330G>A on transcript NM_001113378.2 (MANE Select); coding-DNA position 2330, G replaced by A.
Protein change: p.Cys777Tyr; replaces cysteine 777 with tyrosine.
Molecular consequence: missense variant.
Genome position (GRCh38, 1-based): chr15:89,293,871, G>A. VCF-style: chr15-89293871-G-A. GRCh37 (hg19) VCF-style: chr15-89837102-G-A.
Other names: c.2051G>A, p.Cys684Tyr (NM_001376910.1); c.2330G>A, p.Cys777Tyr (NM_001376911.1, NM_018193.3); short protein forms C684Y, C777Y.
Identifiers: ClinVar variation 2801982 (VCV002801982.3), dbSNP rs368408899, ClinGen allele CA393750103.
Genomic context (GRCh38, chr15:89,293,871, plus strand): 5'-GTCTCTTTTTTGTTTTTTACAGTAAGAATAGGTTTGAGGACATTCTGAGCTTATTTATGT[G>A]TTACAAAAAACTCTCTGACATTCTTAATGAAAAAGCGGGTAAAGCCAAAACTAAAATGGC-3'
Protein context (NP_001106849.1, residues 767-787): RFEDILSLFM[Cys777Tyr]YKKLSDILNE